The following is an entry in ClinVar:

NM_000165.5(GJA1):c.586G>A (p.Val196Met)

Gene: GJA1 (gap junction protein alpha 1; plus strand). Cytogenetic location: 6q22.31.
Variant type: single nucleotide variant.
Coding change: c.586G>A on transcript NM_000165.5 (MANE Select); coding-DNA position 586, G replaced by A.
Protein change: p.Val196Met; replaces valine 196 with methionine.
Molecular consequence: missense variant.
Genome position (GRCh38, 1-based): chr6:121,447,433, G>A. VCF-style: chr6-121447433-G-A. GRCh37 (hg19) VCF-style: chr6-121768579-G-A.
Other names: short protein forms V196M.
Identifiers: ClinVar variation 1716733 (VCV001716733.5), dbSNP rs1421231918, ClinGen allele CA365559344.
Genomic context (GRCh38, chr6:121,447,433, plus strand): 5'-ATCTATGGATTCAGCTTGAGTGCTGTTTACACTTGCAAAAGAGATCCCTGCCCACATCAG[G>A]TGGACTGTTTCCTCTCTCGCCCCACGGAGAAAACCATCTTCATCATCTTCATGCTGGTGG-3'
Protein context (NP_000156.1, residues 186-206): TCKRDPCPHQ[Val196Met]DCFLSRPTEK

ClinVar aggregate classification (germline): Uncertain significance (1 of 4 stars; one submission).

Conditions:
Oculodentodigital dysplasia, autosomal recessive. Also called: OCULODENTOOSSEOUS DYSPLASIA, AUTOSOMAL RECESSIVE; ODDD, AUTOSOMAL RECESSIVE; ODOD, AUTOSOMAL RECESSIVE. Identifiers: Orphanet 2710, MedGen C2749477, MONDO:0009768, OMIM 257850.

Allele frequency attached by ClinVar (database versions not stated): gnomAD exomes below 0.00001; TOPMed below 0.00001; gnomAD 0.00001.
gnomAD v4.1: 2 of 1,614,004 alleles (0.00012%); highest among the groups gnomAD compares: Middle Eastern, 0.017%; no homozygotes.

Submission:

Labcorp Genetics (formerly Invitae), Labcorp
Classification: Uncertain significance for Oculodentodigital dysplasia, autosomal recessive. Last evaluated: 2023-12-11. Review status: criteria provided, single submitter. Criteria: Invitae Variant Classification Sherloc (09022015). Collection method: clinical testing. Allele origin: germline.
Comment: This sequence change replaces valine, which is neutral and non-polar, with methionine, which is neutral and non-polar, at codon 196 of the GJA1 protein (p.Val196Met). This variant is not present in population databases (gnomAD no frequency). This variant has not been reported in the literature in individuals affected with GJA1-related conditions. ClinVar contains an entry for this variant (Variation ID: 1716733). Advanced modeling of protein sequence and biophysical properties (such as structural, functional, and spatial information, amino acid conservation, physicochemical variation, residue mobility, and thermodynamic stability) performed at Invitae indicates that this missense variant is expected to disrupt GJA1 protein function with a positive predictive value of 80%. In summary, the available evidence is currently insufficient to determine the role of this variant in disease. Therefore, it has been classified as a Variant of Uncertain Significance.